The following is an entry in ClinVar:

NM_001077350.3(NPRL3):c.1421G>C (p.Gly474Ala)

Genes: HBA-LCR (alpha-globin locus control region; plus strand), NPRL3 (NPR3 like, GATOR1 complex subunit; minus strand). Cytogenetic location: 16p13.3.
Variant type: single nucleotide variant.
Coding change: c.1421G>C on transcript NM_001077350.3 (MANE Select); coding-DNA position 1421, G replaced by C.
Protein change: p.Gly474Ala; replaces glycine 474 with alanine.
Molecular consequence: missense variant.
Genome position (GRCh38, 1-based): chr16:88,821, C>G on the plus strand (G>C on the coding strand, the complement: NPRL3 is on the minus strand). VCF-style: chr16-88821-C-G. GRCh37 (hg19) VCF-style: chr16-138819-C-G.
Other names: c.884G>C, p.Gly295Ala (NM_001039476.3); c.1187G>C, p.Gly396Ala (NM_001243247.2); c.1346G>C, p.Gly449Ala (NM_001243248.2, NM_001243249.2); short protein forms G449A, G396A, G474A, G295A.
Identifiers: ClinVar variation 2849102 (VCV002849102.3), dbSNP rs903336173, ClinGen allele CA394049082.

ClinVar aggregate classification (germline): Uncertain significance (1 of 4 stars; one submission).

Conditions:
Epilepsy, familial focal, with variable foci 3 (FFEVF3). Identifiers: MedGen C4310708, MONDO:0014925, OMIM 617118.

Submission:

Labcorp Genetics (formerly Invitae), Labcorp
Classification: Uncertain significance for Epilepsy, familial focal, with variable foci 3. Last evaluated: 2023-09-15. Review status: criteria provided, single submitter. Criteria: Invitae Variant Classification Sherloc (09022015). Collection method: clinical testing. Allele origin: germline.
Comment: This variant has not been reported in the literature in individuals affected with NPRL3-related conditions. This variant is not present in population databases (gnomAD no frequency). This sequence change replaces glycine, which is neutral and non-polar, with alanine, which is neutral and non-polar, at codon 474 of the NPRL3 protein (p.Gly474Ala). Advanced modeling of protein sequence and biophysical properties (such as structural, functional, and spatial information, amino acid conservation, physicochemical variation, residue mobility, and thermodynamic stability) performed at Invitae indicates that this missense variant is not expected to disrupt NPRL3 protein function. In summary, the available evidence is currently insufficient to determine the role of this variant in disease. Therefore, it has been classified as a Variant of Uncertain Significance.